The following is an entry in ClinVar:

NM_016464.5(TMEM138):c.300+1G>T

Gene: TMEM138 (transmembrane protein 138; plus strand). Cytogenetic location: 11q12.2.
Variant type: single nucleotide variant.
Coding change: c.300+1G>T on transcript NM_016464.5 (MANE Select); the canonical splice donor site of the intron after coding-DNA position 300, G replaced by T.
Molecular consequence: splice donor variant.
Genome position (GRCh38, 1-based): chr11:61,366,217, G>T. VCF-style: chr11-61366217-G-T. GRCh37 (hg19) VCF-style: chr11-61133689-G-T.
Other names: c.300+1G>T (NM_001410998.1, NM_001410997.1, NM_001410999.1); c.126+1G>T (NM_001330281.2).
Identifiers: ClinVar variation 3691403 (VCV003691403.2).

ClinVar aggregate classification (germline): Likely pathogenic (1 of 4 stars; one submission).

Conditions:
Joubert syndrome 16 (JBTS16). Identifiers: Orphanet 2318, MedGen C3280906, MONDO:0013764, OMIM 614465.

Submission:

Labcorp Genetics (formerly Invitae), Labcorp
Classification: Likely pathogenic for Joubert syndrome 16. Last evaluated: 2025-03-17. Review status: criteria provided, single submitter. Criteria: Invitae Variant Classification Sherloc (09022015). Collection method: clinical testing. Allele origin: germline.
Comment: This sequence change affects a donor splice site in intron 3 of the TMEM138 gene. It is expected to disrupt RNA splicing. Variants that disrupt the donor or acceptor splice site typically lead to a loss of protein function (PMID: 16199547), and loss-of-function variants in TMEM138 are known to be pathogenic (PMID: 26489029). This variant is present in population databases (no rsID available, gnomAD 0.007%). This variant has not been reported in the literature in individuals affected with TMEM138-related conditions. Algorithms developed to predict the effect of sequence changes on RNA splicing suggest that this variant may disrupt the consensus splice site. In summary, the currently available evidence indicates that the variant is pathogenic, but additional data are needed to prove that conclusively. Therefore, this variant has been classified as Likely Pathogenic.

Literature cited by the submitters: PubMed 16199547; PubMed 26489029.